The following is an entry in ClinVar:

ClinVar aggregate classification (germline): Uncertain significance (1 of 4 stars; one submission).

Conditions:
Joubert syndrome. Also called: CEREBELLOPARENCHYMAL DISORDER IV; JOUBERT-BOLTSHAUSER SYNDROME; Familial aplasia of the vermis. Identifiers: Orphanet 475, MedGen C5979921, MONDO:0018772.
Meckel-Gruber syndrome. Also called: DYSENCEPHALIA SPLANCHNOCYSTICA; GRUBER SYNDROME; Dysencephalia splachnocystica. Identifiers: Orphanet 564, MedGen C0265215, MONDO:0018921.

gnomAD v4.1: 2 of 1,614,066 alleles (0.00012%); highest among the groups gnomAD compares: South Asian, 0.0011%; no homozygotes.

Submission:

Labcorp Genetics (formerly Invitae), Labcorp
Classification: Uncertain significance for Joubert syndrome; Meckel-Gruber syndrome. Last evaluated: 2021-08-31. Review status: criteria provided, single submitter. Criteria: Invitae Variant Classification Sherloc (09022015). Collection method: clinical testing. Allele origin: germline.
Comment: This sequence change replaces glutamic acid with lysine at codon 51 of the RPGRIP1L protein (p.Glu51Lys). The glutamic acid residue is highly conserved and there is a small physicochemical difference between glutamic acid and lysine. This variant is not present in population databases (ExAC no frequency). This variant has not been reported in the literature in individuals affected with RPGRIP1L-related conditions. Algorithms developed to predict the effect of missense changes on protein structure and function (SIFT, PolyPhen-2, Align-GVGD) all suggest that this variant is likely to be disruptive. In summary, the available evidence is currently insufficient to determine the role of this variant in disease. Therefore, it has been classified as a Variant of Uncertain Significance.

NM_015272.5(RPGRIP1L):c.151G>A (p.Glu51Lys)

Gene: RPGRIP1L (RPGRIP1 like; minus strand). Cytogenetic location: 16q12.2.
Variant type: single nucleotide variant.
Coding change: c.151G>A on transcript NM_015272.5 (MANE Select); coding-DNA position 151, G replaced by A.
Protein change: p.Glu51Lys; replaces glutamic acid 51 with lysine.
Molecular consequence: missense variant.
Genome position (GRCh38, 1-based): chr16:53,696,230, C>T on the plus strand (G>A on the coding strand, the complement: RPGRIP1L is on the minus strand). VCF-style: chr16-53696230-C-T. GRCh37 (hg19) VCF-style: chr16-53730142-C-T.
Other names: c.151G>A, p.Glu51Lys (NM_001127897.4, NM_001308334.3, NM_001328422.2 and 2 more transcripts); short protein forms E51K.
Identifiers: ClinVar variation 1981235 (VCV001981235.1), dbSNP rs1970746922, ClinGen allele CA395925980.
Genomic context (GRCh38, chr16:53,696,230, plus strand): 5'-GCTTGCGGGCATGCTGTTTAAGTAAAATGTTCTCATCATGCAAACGCAAAAATCTGTCTT[C>T]CAGTTCCTCACGACTGACACGTGACACTGCCTGGCGAGACTTCATTGTCCGTGTTGTTGA-3'
Protein context (NP_056087.2, residues 41-61): AVSRVSREEL[Glu51Lys]DRFLRLHDEN